The following is an entry in ClinVar:

NM_003982.4(SLC7A7):c.1520A>G (p.Asp507Gly)

Gene: SLC7A7 (solute carrier family 7 member 7; minus strand). Cytogenetic location: 14q11.2.
Variant type: single nucleotide variant.
Coding change: c.1520A>G on transcript NM_003982.4 (MANE Select); coding-DNA position 1520, A replaced by G.
Protein change: p.Asp507Gly; replaces aspartic acid 507 with glycine.
Molecular consequence: missense variant.
Genome position (GRCh38, 1-based): chr14:22,773,626, T>C on the plus strand (A>G on the coding strand, the complement: SLC7A7 is on the minus strand). VCF-style: chr14-22773626-T-C. GRCh37 (hg19) VCF-style: chr14-23242835-T-C.
Other names: c.1520A>G, p.Asp507Gly (NM_001126105.3, NM_001126106.4); short protein forms D507G.
Identifiers: ClinVar variation 1511803 (VCV001511803.6), dbSNP rs1055499594, ClinGen allele CA257723346.

ClinVar aggregate classification (germline): Uncertain significance. Review status: criteria provided, multiple submitters, no conflicts (2 of 4 stars). 2 submissions from 2 submitters: Uncertain significance (2). Last evaluated 2021-09-15.

Conditions:
Lysinuric protein intolerance (LPI). Identifiers: Orphanet 470, MedGen C0268647, MONDO:0009109, OMIM 222700.

Allele frequency attached by ClinVar (database versions not stated): gnomAD exomes below 0.00001.
gnomAD v4.1: 2 of 1,614,038 alleles (0.00012%); highest among the groups gnomAD compares: Middle Eastern, 0.033%; no homozygotes.

Submissions (2):

Fulgent Genetics
Classification: Uncertain significance for Lysinuric protein intolerance. Last evaluated: 2021-09-15. Review status: criteria provided, single submitter. Criteria: ACMG Guidelines, 2015. Collection method: clinical testing. Allele origin: unknown.

Labcorp Genetics (formerly Invitae), Labcorp
Classification: Uncertain significance for Lysinuric protein intolerance. Last evaluated: 2021-08-26. Review status: criteria provided, single submitter. Criteria: Invitae Variant Classification Sherloc (09022015). Collection method: clinical testing. Allele origin: germline.
Comment: This sequence change replaces aspartic acid with glycine at codon 507 of the SLC7A7 protein (p.Asp507Gly). The aspartic acid residue is weakly conserved and there is a moderate physicochemical difference between aspartic acid and glycine. This variant is not present in population databases (ExAC no frequency). This variant has not been reported in the literature in individuals affected with SLC7A7-related conditions. Algorithms developed to predict the effect of missense changes on protein structure and function output the following: SIFT: "Tolerated"; PolyPhen-2: "Benign"; Align-GVGD: "Class C0". The glycine amino acid residue is found in multiple mammalian species, which suggests that this missense change does not adversely affect protein function. In summary, the available evidence is currently insufficient to determine the role of this variant in disease. Therefore, it has been classified as a Variant of Uncertain Significance.